The following is an entry in ClinVar:

ClinVar aggregate classification (germline): Uncertain significance (1 of 4 stars; one submission).

Conditions:
Familial cancer of breast. Also called: Hereditary breast cancer; BREAST CANCER, FAMILIAL; hereditary breast carcinoma. Identifiers: Orphanet 227535, MedGen C0346153, MONDO:0016419, OMIM 114480. Disease mechanism: loss of function.

Allele frequency attached by ClinVar (database versions not stated): TOPMed below 0.00001; gnomAD 0.00001.
gnomAD v4.1: 1 of 1,613,846 alleles (0.000062%); highest among the groups gnomAD compares: African/African-American, 0.0013%; no homozygotes.

Submission:

Labcorp Genetics (formerly Invitae), Labcorp
Classification: Uncertain significance for Familial cancer of breast. Last evaluated: 2021-02-28. Review status: criteria provided, single submitter. Criteria: Invitae Variant Classification Sherloc (09022015). Collection method: clinical testing. Allele origin: germline.
Comment: This sequence change replaces glycine with valine at codon 1174 of the PALB2 protein (p.Gly1174Val). The glycine residue is highly conserved and there is a moderate physicochemical difference between glycine and valine. This variant is not present in population databases (ExAC no frequency). This variant has not been reported in the literature in individuals with PALB2-related conditions. Algorithms developed to predict the effect of missense changes on protein structure and function (SIFT, PolyPhen-2, Align-GVGD) all suggest that this variant is likely to be disruptive, but these predictions have not been confirmed by published functional studies and their clinical significance is uncertain. In summary, the available evidence is currently insufficient to determine the role of this variant in disease. Therefore, it has been classified as a Variant of Uncertain Significance.

NM_024675.4(PALB2):c.3521G>T (p.Gly1174Val)

Gene: PALB2 (partner and localizer of BRCA2; minus strand). Cytogenetic location: 16p12.2.
Variant type: single nucleotide variant.
Coding change: c.3521G>T on transcript NM_024675.4 (MANE Select); coding-DNA position 3521, G replaced by T.
Protein change: p.Gly1174Val; replaces glycine 1174 with valine.
Molecular consequence: missense variant.
Genome position (GRCh38, 1-based): chr16:23,603,499, C>A on the plus strand (G>T on the coding strand, the complement: PALB2 is on the minus strand). VCF-style: chr16-23603499-C-A. GRCh37 (hg19) VCF-style: chr16-23614820-C-A.
Other names: short protein forms G1174V.
Identifiers: ClinVar variation 1376126 (VCV001376126.9), dbSNP rs1286090287, ClinGen allele CA395137841.